The following is an entry in ClinVar:

NM_001170629.2(CHD8):c.1643C>G (p.Thr548Ser)

Gene: CHD8 (chromodomain helicase DNA binding protein 8; minus strand). Cytogenetic location: 14q11.2.
Variant type: single nucleotide variant.
Coding change: c.1643C>G on transcript NM_001170629.2 (MANE Select); coding-DNA position 1643, C replaced by G.
Protein change: p.Thr548Ser; replaces threonine 548 with serine.
Molecular consequence: missense variant.
Genome position (GRCh38, 1-based): chr14:21,426,201, G>C on the plus strand (C>G on the coding strand, the complement: CHD8 is on the minus strand). VCF-style: chr14-21426201-G-C. GRCh37 (hg19) VCF-style: chr14-21894360-G-C.
Other names: c.806C>G, p.Thr269Ser (NM_020920.4); short protein forms T548S, T269S.
Identifiers: ClinVar variation 3572744 (VCV003572744.1).

ClinVar aggregate classification (germline): Uncertain significance (1 of 4 stars; one submission).

Submission:

GeneDx
Classification: Uncertain significance. Last evaluated: 2024-07-09. Review status: criteria provided, single submitter. Criteria: GeneDx Variant Classification Process June 2021. Collection method: clinical testing. Allele origin: germline. Affected: yes.
Comment: Not observed at significant frequency in large population cohorts (gnomAD); In silico analysis indicates that this missense variant does not alter protein structure/function; Has not been previously published as pathogenic or benign to our knowledge